The following is an entry in ClinVar:

ClinVar aggregate classification (germline): Pathogenic/Likely pathogenic. Review status: criteria provided, multiple submitters, no conflicts (2 of 4 stars). 5 submissions from 5 submitters: Pathogenic (4); Likely pathogenic (1). Last evaluated 2025-09-02.

Conditions:
Hereditary cancer-predisposing syndrome. Also called: Tumor predisposition; Hereditary Cancer Syndrome; Neoplastic Syndromes, Hereditary; Hereditary neoplastic syndrome. Identifiers: Orphanet 140162, MedGen C0027672, MeSH D009386, MONDO:0015356.
Familial cancer of breast. Also called: Hereditary breast cancer; hereditary breast carcinoma; BREAST CANCER, FAMILIAL. Identifiers: Orphanet 227535, MedGen C0346153, MONDO:0016419, OMIM 114480. Disease mechanism: loss of function.
Ataxia-telangiectasia syndrome (AT). Also called: Cerebello-oculocutaneous telangiectasia; Immunodeficiency with ataxia telangiectasia; Ataxia-telangiectasia, complementation group D; AT, COMPLEMENTATION GROUP C; Ataxia-telangiectasia, complementation group E; LOUIS-BAR SYNDROME. Identifiers: Orphanet 100, MedGen C0004135, MONDO:0008840, OMIM 208900.

Submissions (5):

Labcorp Genetics (formerly Invitae), Labcorp
Classification: Pathogenic for Ataxia-telangiectasia syndrome. Last evaluated: 2025-09-02. Review status: criteria provided, single submitter. Criteria: Invitae Variant Classification Sherloc (09022015). Collection method: clinical testing. Allele origin: germline.
Comment: This sequence change creates a premature translational stop signal (p.Lys1701Ilefs*2) in the ATM gene. It is expected to result in an absent or disrupted protein product. Loss-of-function variants in ATM are known to be pathogenic (PMID: 23807571, 25614872). This variant is not present in population databases (gnomAD no frequency). This variant has not been reported in the literature in individuals affected with ATM-related conditions. ClinVar contains an entry for this variant (Variation ID: 453554). For these reasons, this variant has been classified as Pathogenic.

Ambry Genetics
Classification: Pathogenic for Hereditary cancer-predisposing syndrome. Last evaluated: 2024-07-01. Review status: criteria provided, single submitter. Criteria: Ambry Variant Classification Scheme 2023. Collection method: clinical testing. Allele origin: germline.
Comment: The c.5102_5106delAGTTA pathogenic mutation, located in coding exon 33 of the ATM gene, results from a deletion of 5 nucleotides at nucleotide positions 5102 to 5106, causing a translational frameshift with a predicted alternate stop codon (p.K1701Ifs*2). This variant is considered to be rare based on population cohorts in the Genome Aggregation Database (gnomAD). This alteration is expected to result in loss of function by premature protein truncation or nonsense-mediated mRNA decay. As such, this alteration is interpreted as a disease-causing mutation.

Myriad Genetics, Inc.
Classification: Pathogenic for Familial cancer of breast. Last evaluated: 2024-04-09. Review status: criteria provided, single submitter. Criteria: Myriad Autosomal Dominant, Autosomal Recessive and X-Linked Classification Criteria (2023). Collection method: clinical testing. Allele origin: unknown.
Comment: This variant is considered pathogenic. This variant creates a frameshift predicted to result in premature protein truncation.

Color Diagnostics, LLC DBA Color Health
Classification: Pathogenic for Hereditary cancer-predisposing syndrome. Last evaluated: 2024-01-02. Review status: criteria provided, single submitter. Criteria: ACMG Guidelines, 2015. Collection method: clinical testing. Allele origin: germline.
Comment: This variant deletes 5 nucleotides in exon 34 of the ATM gene, creating a frameshift and premature translation stop signal. This variant is expected to result in an absent or non-functional protein product. To our knowledge, this variant has not been reported in individuals affected with ATM-related disorders in the literature. This variant has not been identified in the general population by the Genome Aggregation Database (gnomAD). Loss of ATM function is a known mechanism of disease. Based on the available evidence, this variant is classified as Pathogenic.

GeneDx
Classification: Likely pathogenic. Last evaluated: 2019-03-13. Review status: criteria provided, single submitter. Criteria: GeneDx Variant Classification (06012015). Collection method: clinical testing. Allele origin: germline. Affected: yes.
Comment: The c.5102_5106delAGTTA variant in the ATM gene has not been reported previously as a pathogenic variant nor as a benign variant, to our knowledge. The c.5102_5106delAGTTA variant causes a frameshift starting with codon Lysine 1701, changes this amino acid to an Isoleucine residue, and creates a premature Stop codon at position 2 of the new reading frame, denoted p.Lys1701IlefsX2. This variant is predicted to cause loss of normal protein function either through protein truncation or nonsense-mediated mRNA decay. The c.5102_5106delAGTTA variant is not observed in large population cohorts (Lek et al., 2016). We interpret c.5102_5106delAGTTA as a likely pathogenic variant.

Literature cited by the submitters: PubMed 23807571 (cited by Labcorp Genetics (formerly Invitae), Labcorp); PubMed 25614872 (cited by Labcorp Genetics (formerly Invitae), Labcorp).

NM_000051.4(ATM):c.5102_5106del (p.Lys1701fs)

Gene: ATM (ATM serine/threonine kinase; plus strand). Cytogenetic location: 11q22.3.
Variant type: Deletion.
Coding change: c.5102_5106del on transcript NM_000051.4 (MANE Select); coding-DNA positions 5102 to 5106, 5 bases deleted (AGTTA; older notation c.5102_5106delAGTTA).
Protein change: p.Lys1701fs; shifts the reading frame from lysine 1701.
Molecular consequence: frameshift variant.
Genome position (GRCh38, 1-based): chr11:108,299,810-108,299,814, AGTTA deleted; deleting any 5 consecutive bases within chr11:108,299,807-108,299,814 gives the same sequence; the c. name uses the placement nearest the transcript's 3' end. VCF-style (leftmost placement, unchanged base first): chr11-108299806-CTTAAG-C. GRCh37 (hg19) VCF-style: chr11-108170533-CTTAAG-C.
Other names: c.5102_5106delAGTTA (NM_000051.3); c.5102_5106del, p.Lys1701fs (NM_001351834.2); short protein forms K1701fs.
Identifiers: ClinVar variation 453554 (VCV000453554.16), dbSNP rs1555104693, ClinGen allele CA658656233.